The following is an entry in ClinVar:

ClinVar aggregate classification (germline): Uncertain significance (1 of 4 stars; one submission).

Submission:

Labcorp Genetics (formerly Invitae), Labcorp
Classification: Uncertain significance. Last evaluated: 2025-08-15. Review status: criteria provided, single submitter. Criteria: Invitae Variant Classification Sherloc (09022015). Collection method: clinical testing. Allele origin: germline.
Comment: This sequence change replaces proline, which is neutral and non-polar, with serine, which is neutral and polar, at codon 409 of the ZBTB20 protein (p.Pro409Ser). This variant is not present in population databases (gnomAD no frequency). This variant has not been reported in the literature in individuals affected with ZBTB20-related conditions. ClinVar contains an entry for this variant (Variation ID: 2167456). Invitae Evidence Modeling of protein sequence and biophysical properties (such as structural, functional, and spatial information, amino acid conservation, physicochemical variation, residue mobility, and thermodynamic stability) indicates that this missense variant is not expected to disrupt ZBTB20 protein function with a negative predictive value of 95%. In summary, the available evidence is currently insufficient to determine the role of this variant in disease. Therefore, it has been classified as a Variant of Uncertain Significance.

NM_001348800.3(ZBTB20):c.1225C>T (p.Pro409Ser)

Gene: ZBTB20 (zinc finger and BTB domain containing 20; minus strand). Cytogenetic location: 3q13.31.
Variant type: single nucleotide variant.
Coding change: c.1225C>T on transcript NM_001348800.3 (MANE Select); coding-DNA position 1225, C replaced by T.
Protein change: p.Pro409Ser; replaces proline 409 with serine.
Molecular consequence: missense variant.
Genome position (GRCh38, 1-based): chr3:114,350,853, G>A on the plus strand (C>T on the coding strand, the complement: ZBTB20 is on the minus strand). VCF-style: chr3-114350853-G-A. GRCh37 (hg19) VCF-style: chr3-114069700-G-A.
Other names: c.1225C>T, p.Pro409Ser (NM_001164342.2, NM_001348803.3, NM_001393393.1 and 1 more transcripts); c.1006C>T, p.Pro336Ser (NM_001164343.2, NM_001164344.4, NM_001164345.4 and 9 more transcripts); short protein forms P409S, P336S.
Identifiers: ClinVar variation 2167456 (VCV002167456.4), dbSNP rs530271220, ClinGen allele CA354011141.